The following is an entry in ClinVar:

ClinVar aggregate classification (germline): Uncertain significance (1 of 4 stars; one submission).

Allele frequency attached by ClinVar (database versions not stated): gnomAD exomes below 0.00001; TOPMed 0.00001.

Submission:

Labcorp Genetics (formerly Invitae), Labcorp
Classification: Uncertain significance. Last evaluated: 2024-10-29. Review status: criteria provided, single submitter. Criteria: Invitae Variant Classification Sherloc (09022015). Collection method: clinical testing. Allele origin: germline.
Comment: This sequence change replaces methionine, which is neutral and non-polar, with threonine, which is neutral and polar, at codon 310 of the CCT2 protein (p.Met310Thr). This variant is present in population databases (no rsID available, gnomAD 0.007%). This variant has not been reported in the literature in individuals affected with CCT2-related conditions. ClinVar contains an entry for this variant (Variation ID: 1021077). An algorithm developed to predict the effect of missense changes on protein structure and function (PolyPhen-2) suggests that this variant is likely to be disruptive. In summary, the available evidence is currently insufficient to determine the role of this variant in disease. Therefore, it has been classified as a Variant of Uncertain Significance.

NM_006431.3(CCT2):c.929T>C (p.Met310Thr)

Gene: CCT2 (chaperonin containing TCP1 subunit 2; plus strand). Cytogenetic location: 12q15.
Variant type: single nucleotide variant.
Coding change: c.929T>C on transcript NM_006431.3 (MANE Select); coding-DNA position 929, T replaced by C.
Protein change: p.Met310Thr; replaces methionine 310 with threonine.
Molecular consequence: missense variant.
Genome position (GRCh38, 1-based): chr12:69,593,560, T>C. VCF-style: chr12-69593560-T-C. GRCh37 (hg19) VCF-style: chr12-69987340-T-C.
Other names: c.788T>C, p.Met263Thr (NM_001198842.2); short protein forms M263T, M310T.
Identifiers: ClinVar variation 1021077 (VCV001021077.8), dbSNP rs1347119998, ClinGen allele CA385729595.